The following is an entry in ClinVar:

NM_144672.4(OTOA):c.135T>A (p.Asp45Glu)

Gene: OTOA (otoancorin). Cytogenetic location: 16p12.2.
Variant type: single nucleotide variant.
Coding change: c.135T>A on transcript NM_144672.4 (MANE Select); coding-DNA position 135, T replaced by A.
Protein change: p.Asp45Glu; replaces aspartic acid 45 with glutamic acid.
Molecular consequence: missense variant.
Genome position (GRCh38, 1-based): chr16:21,679,050, T>A. VCF-style: chr16-21679050-T-A. GRCh37 (hg19) VCF-style: chr16-21690371-T-A.
Other names: short protein forms D45E.
Identifiers: ClinVar variation 3360168 (VCV003360168.1).

ClinVar aggregate classification (germline): Uncertain significance (1 of 4 stars; one submission).

Submission:

GeneDx
Classification: Uncertain significance. Last evaluated: 2023-06-23. Review status: criteria provided, single submitter. Criteria: GeneDx Variant Classification Process June 2021. Collection method: clinical testing. Allele origin: germline. Affected: yes.
Comment: Not observed at significant frequency in large population cohorts (gnomAD); In silico analysis supports that this missense variant does not alter protein structure/function; Has not been previously published as pathogenic or benign to our knowledge